The following is an entry in ClinVar:

ClinVar aggregate classification (germline): Uncertain significance (1 of 4 stars; one submission).

Conditions:
Cortical dysplasia-focal epilepsy syndrome (PTHSL1). Also called: Pitt-Hopkins-like syndrome 1. Identifiers: Orphanet 163681, Orphanet 221150, MedGen C2750246, MONDO:0012400, OMIM 610042.

Allele frequency attached by ClinVar (database versions not stated): gnomAD exomes below 0.00001.
gnomAD v4.1: 4 of 1,614,068 alleles (0.00025%); highest among the groups gnomAD compares: Admixed American, 0.0017%; no homozygotes.

Submission:

Labcorp Genetics (formerly Invitae), Labcorp
Classification: Uncertain significance for Cortical dysplasia-focal epilepsy syndrome. Last evaluated: 2021-02-25. Review status: criteria provided, single submitter. Criteria: Invitae Variant Classification Sherloc (09022015). Collection method: clinical testing. Allele origin: germline.
Comment: In summary, the available evidence is currently insufficient to determine the role of this variant in disease. Therefore, it has been classified as a Variant of Uncertain Significance. Algorithms developed to predict the effect of missense changes on protein structure and function (SIFT, PolyPhen-2, Align-GVGD) all suggest that this variant is likely to be disruptive, but these predictions have not been confirmed by published functional studies and their clinical significance is uncertain. This variant has not been reported in the literature in individuals with CNTNAP2-related conditions. This variant is not present in population databases (ExAC no frequency). This sequence change replaces histidine with tyrosine at codon 1113 of the CNTNAP2 protein (p.His1113Tyr). The histidine residue is highly conserved and there is a moderate physicochemical difference between histidine and tyrosine.

NM_014141.6(CNTNAP2):c.3337C>T (p.His1113Tyr)

Gene: CNTNAP2 (contactin associated protein 2; plus strand). Cytogenetic location: 7q36.1.
Variant type: single nucleotide variant.
Coding change: c.3337C>T on transcript NM_014141.6 (MANE Select); coding-DNA position 3337, C replaced by T.
Protein change: p.His1113Tyr; replaces histidine 1113 with tyrosine.
Molecular consequence: missense variant.
Genome position (GRCh38, 1-based): chr7:148,229,735, C>T. VCF-style: chr7-148229735-C-T. GRCh37 (hg19) VCF-style: chr7-147926827-C-T.
Other names: short protein forms H1113Y.
Identifiers: ClinVar variation 1006809 (VCV001006809.9), dbSNP rs1300346365, ClinGen allele CA369929754.